The following is an entry in ClinVar:

ClinVar aggregate classification (germline): Pathogenic/Likely pathogenic. Review status: criteria provided, multiple submitters, no conflicts (2 of 4 stars). 7 submissions from 7 submitters: Pathogenic (3); Likely pathogenic (4). Last evaluated 2026-06-30.

Conditions:
Usher syndrome type 1B (USH1B). Also called: Usher syndrome type IB. Identifiers: MedGen C1848638, MONDO:0700087.
Ear malformation. Also called: Abnormality of the ear; CUP EAR. Identifiers: MedGen C0266589, MONDO:0007500, OMIM 128600, HP:0000598.
MYO7A-related disorder. Also called: MYO7A-related disorders.
Usher syndrome. Also called: Usher Syndromes; Usher's syndrome. Identifiers: Orphanet 886, MedGen CN469326, MeSH D052245, MONDO:0019501. Disease mechanism: loss of function.
Autosomal recessive nonsyndromic hearing loss 2. Also called: NEUROSENSORY NONSYNDROMIC RECESSIVE DEAFNESS 2; DEAFNESS, AUTOSOMAL RECESSIVE 2. Identifiers: Orphanet 90636, MedGen C1838701, MONDO:0010807, OMIM 600060.
Usher syndrome type 1 (USH1). Also called: RETINITIS PIGMENTOSA AND CONGENITAL DEAFNESS. Identifiers: Orphanet 231169, Orphanet 886, MedGen C1568247, MONDO:0010168, OMIM 276900.
Autosomal dominant nonsyndromic hearing loss 11. Identifiers: Orphanet 90635, MedGen C1832475, MONDO:0011032, OMIM 601317.

Allele frequency attached by ClinVar (database versions not stated): ExAC below 0.00001; gnomAD exomes below 0.00001; gnomAD 0.00001 and 0.00002; TOPMed 0.00002; ESP Exome Variant Server 0.00008; 1000 Genomes Project 30x 0.00016; 1000 Genomes Project 0.00020.
gnomAD v4.1: 8 of 1,575,030 alleles (0.00051%); highest among the groups gnomAD compares: East Asian, 0.007%; no homozygotes.

Submissions (7):

Women's Health and Genetics/Laboratory Corporation of America, LabCorp
Classification: Pathogenic for Usher syndrome. Last evaluated: 2026-06-30. Review status: criteria provided, single submitter. Criteria: LabCorp Variant Classification Summary - May 2015. Collection method: clinical testing. Allele origin: germline.
Comment: Variant summary: MYO7A c.3718C>T (p.Arg1240Trp) results in a non-conservative amino acid change in the encoded protein sequence. Algorithms developed to predict the effect of missense changes on protein structure and function all suggest that this variant is likely to be disruptive. The variant allele was found at a frequency of 5.1e-06 in 1575030 control chromosomes. c.3718C>T has been observed in individual(s) affected with Usher Syndrome or related conditions (Bazazzadegan_2019, LeQuesneStabej_2012_Neuhaus_2017, Lenassi_2014, Watanabe_2024). These data indicate that the variant is likely to be associated with disease. To our knowledge, no experimental evidence demonstrating an impact on protein function has been reported. A different variant affecting the same codon has been classified as likely pathogenic/pathogenic (c.3719G>A, p.Arg1240Gln), supporting the critical relevance of codon 1240 to MYO7A protein function. The following publications have been ascertained in the context of this evaluation (PMID: 22135276, 28944237, 31850270, 24199935, 38594301). ClinVar contains an entry for this variant (Variation ID: 964372). Based on the evidence outlined above, the variant was classified as pathogenic.

Labcorp Genetics (formerly Invitae), Labcorp
Classification: Pathogenic. Last evaluated: 2025-11-17. Review status: criteria provided, single submitter. Criteria: Invitae Variant Classification Sherloc (09022015). Collection method: clinical testing. Allele origin: germline.
Comment: This sequence change replaces arginine, which is basic and polar, with tryptophan, which is neutral and slightly polar, at codon 1240 of the MYO7A protein (p.Arg1240Trp). The frequency data for this variant in the population databases is considered unreliable, as metrics indicate poor data quality at this position in the gnomAD database. This missense change has been observed in individuals with Usher syndrome (PMID: 24199935, 28944237, 31850270). ClinVar contains an entry for this variant (Variation ID: 964372). Invitae Evidence Modeling of protein sequence and biophysical properties (such as structural, functional, and spatial information, amino acid conservation, physicochemical variation, residue mobility, and thermodynamic stability) indicates that this missense variant is expected to disrupt MYO7A protein function with a positive predictive value of 95%. This variant disrupts the p.Arg1240 amino acid residue in MYO7A. Other variant(s) that disrupt this residue have been determined to be pathogenic (PMID: 20513143, 21569298, 22135276). This suggests that this residue is clinically significant, and that variants that disrupt this residue are likely to be disease-causing. For these reasons, this variant has been classified as Pathogenic.

Natera, Inc.
Classification: Likely pathogenic for Usher syndrome type 1B. Last evaluated: 2025-09-22. Review status: criteria provided, single submitter. Criteria: Natera Variant Classification Schema (03/2026). Collection method: clinical testing. Allele origin: germline.
Comment: The c.3718C>T variant in MYO7A is a missense variant predicted to cause substitution of arginine to tryptophan at amino acid 1240. This variant is rare in the general population with a frequency below the threshold expected for the associated phenotype(s). This variant has been observed in one or more individuals affected with the associated recessive disease, as either homozygous or compound heterozygous with a second variant (PMID: 38594301, 22135276, 31850270). A different variant at the same position has been determined to be Pathogenic or Likely Pathogenic. Computational prediction algorithms indicate this variant is likely to affect gene or protein function. Given the available evidence, this variant is classified as Likely Pathogenic.

Fulgent Genetics
Classification: Likely pathogenic for Usher syndrome type 1; Autosomal recessive nonsyndromic hearing loss 2; Autosomal dominant nonsyndromic hearing loss 11. Last evaluated: 2024-05-10. Review status: criteria provided, single submitter. Criteria: ACMG Guidelines, 2015. Collection method: clinical testing. Allele origin: germline.

Blueprint Genetics
Classification: Pathogenic for MYO7A-related disorders. Last evaluated: 2022-03-11. Review status: criteria provided, single submitter. Criteria: ACMG Guidelines, 2015. Collection method: clinical testing. Allele origin: germline. Affected: yes. Observed: 3 variant alleles.

Kariminejad - Najmabadi Pathology & Genetics Center
Classification: Likely pathogenic for Ear malformation. Last evaluated: 2021-07-10. Review status: criteria provided, single submitter. Criteria: ACMG Guidelines, 2015. Collection method: clinical testing. Allele origin: germline. Affected: yes.

Juno Genomics, Hangzhou Juno Genomics, Inc
Classification: Likely pathogenic for Usher syndrome type 1. Review status: criteria provided, single submitter. Criteria: ACMG Guidelines, 2015. Collection method: clinical testing. Allele origin: germline. Affected: yes.
Comment: Absent from controls (or at extremely low frequency if recessive) in Genome Aggregation Database, Exome Sequencing Project, 1000 Genomes Project, or Exome Aggregation Consortium.;Multiple lines of computational evidence support a deleterious effect on the gene or gene product (conservation, evolutionary, splicing impact, etc).;For recessive disorders, detected in trans with a pathogenic variant.;Novel missense change at an amino acid residue where a different missense change determined to be pathogenic has been seen before.

Literature cited by the submitters: PubMed 22135276 (cited by 3 submitters); PubMed 28944237 (cited by Women's Health and Genetics/Laboratory Corporation of America, LabCorp and Labcorp Genetics (formerly Invitae), Labcorp); PubMed 31850270 (cited by 3 submitters); PubMed 24199935 (cited by Women's Health and Genetics/Laboratory Corporation of America, LabCorp and Labcorp Genetics (formerly Invitae), Labcorp); PubMed 38594301 (cited by Women's Health and Genetics/Laboratory Corporation of America, LabCorp and Natera, Inc.); PubMed 20513143 (cited by Labcorp Genetics (formerly Invitae), Labcorp); PubMed 21569298 (cited by Labcorp Genetics (formerly Invitae), Labcorp).

NM_000260.4(MYO7A):c.3718C>T (p.Arg1240Trp)

Gene: MYO7A (myosin VIIA; plus strand). Cytogenetic location: 11q13.5.
Variant type: single nucleotide variant.
Coding change: c.3718C>T on transcript NM_000260.4 (MANE Select); coding-DNA position 3718, C replaced by T.
Protein change: p.Arg1240Trp; replaces arginine 1240 with tryptophan.
Molecular consequence: missense variant.
Genome position (GRCh38, 1-based): chr11:77,190,107, C>T. VCF-style: chr11-77190107-C-T. GRCh37 (hg19) VCF-style: chr11-76901152-C-T.
Other names: c.3718C>T, p.Arg1240Trp (NM_001127180.2); c.3685C>T, p.Arg1229Trp (NM_001369365.1); short protein forms R1240W, R1229W.
Identifiers: ClinVar variation 964372 (VCV000964372.36), dbSNP rs371374104, ClinGen allele CA6198176.